The following is an entry in ClinVar:

ClinVar aggregate classification (germline): Uncertain significance (1 of 4 stars; one submission).

gnomAD v4.1: 1 of 1,612,434 alleles (0.000062%); highest among the groups gnomAD compares: Non-Finnish European, 0.000085%; no homozygotes.

Submission:

Labcorp Genetics (formerly Invitae), Labcorp
Classification: Uncertain significance. Last evaluated: 2023-08-11. Review status: criteria provided, single submitter. Criteria: Invitae Variant Classification Sherloc (09022015). Collection method: clinical testing. Allele origin: germline.
Comment: In summary, the available evidence is currently insufficient to determine the role of this variant in disease. Therefore, it has been classified as a Variant of Uncertain Significance. Advanced modeling of protein sequence and biophysical properties (such as structural, functional, and spatial information, amino acid conservation, physicochemical variation, residue mobility, and thermodynamic stability) has been performed at Invitae for this missense variant, however the output from this modeling did not meet the statistical confidence thresholds required to predict the impact of this variant on ABCB11 protein function. This variant has not been reported in the literature in individuals affected with ABCB11-related conditions. This variant is not present in population databases (gnomAD no frequency). This sequence change replaces leucine, which is neutral and non-polar, with valine, which is neutral and non-polar, at codon 308 of the ABCB11 protein (p.Leu308Val).

NM_003742.4(ABCB11):c.922C>G (p.Leu308Val)

Gene: ABCB11 (ATP binding cassette subfamily B member 11; minus strand). Cytogenetic location: 2q31.1.
Variant type: single nucleotide variant.
Coding change: c.922C>G on transcript NM_003742.4 (MANE Select); coding-DNA position 922, C replaced by G.
Protein change: p.Leu308Val; replaces leucine 308 with valine.
Molecular consequence: missense variant.
Genome position (GRCh38, 1-based): chr2:168,986,271, G>C on the plus strand (C>G on the coding strand, the complement: ABCB11 is on the minus strand). VCF-style: chr2-168986271-G-C. GRCh37 (hg19) VCF-style: chr2-169842781-G-C.
Other names: short protein forms L308V.
Identifiers: ClinVar variation 2752166 (VCV002752166.3), dbSNP rs780710769, ClinGen allele CA349124663.